The following is an entry in ClinVar:

ClinVar aggregate classification (germline): Likely pathogenic (1 of 4 stars; one submission).

Submission:

Labcorp Genetics (formerly Invitae), Labcorp
Classification: Likely pathogenic. Last evaluated: 2021-10-02. Review status: criteria provided, single submitter. Criteria: Invitae Variant Classification Sherloc (09022015). Collection method: clinical testing. Allele origin: germline.
Comment: In summary, the currently available evidence indicates that the variant is pathogenic, but additional data are needed to prove that conclusively. Therefore, this variant has been classified as Likely Pathogenic. This variant disrupts a region of the NTHL1 protein in which other variant(s) (p.Gln287*) have been determined to be pathogenic (PMID: 27329137, 30552997, 30753826; Invitae). This suggests that this is a clinically significant region of the protein, and that variants that disrupt it are likely to be disease-causing. This variant has not been reported in the literature in individuals affected with NTHL1-related conditions. This variant is a gross deletion of the genomic region encompassing exon(s) 4-6 of the NTHL1 gene, which includes the termination codon. This deletion extends beyond the assayed region for this gene and therefore may encompass additional genes. While this deletion is not anticipated to lead to nonsense mediated decay, it is expected to alter mRNA translation or result in a truncated protein product.

Literature cited by the submitters: PubMed 27329137; PubMed 30552997; PubMed 30753826.

NC_000016.9:g.(?_2089925)_(2093737_?)del

Gene: NTHL1 (nth like DNA glycosylase 1; minus strand). Cytogenetic location: 16p13.3.
Variant type: Deletion.
Identifiers: ClinVar variation 1507721 (VCV001507721.4).